The following is an entry in ClinVar:

NM_001792.5(CDH2):c.2011C>T (p.Leu671Phe)

Gene: CDH2 (cadherin 2; minus strand). Cytogenetic location: 18q12.1.
Variant type: single nucleotide variant.
Coding change: c.2011C>T on transcript NM_001792.5 (MANE Select); coding-DNA position 2011, C replaced by T.
Protein change: p.Leu671Phe; replaces leucine 671 with phenylalanine.
Molecular consequence: missense variant.
Genome position (GRCh38, 1-based): chr18:27,985,198, G>A on the plus strand (C>T on the coding strand, the complement: CDH2 is on the minus strand). VCF-style: chr18-27985198-G-A. GRCh37 (hg19) VCF-style: chr18-25565162-G-A.
Other names: c.1918C>T, p.Leu640Phe (NM_001308176.2); short protein forms L640F, L671F.
Identifiers: ClinVar variation 4826756 (VCV004826756.1).

ClinVar aggregate classification (germline): Uncertain significance (1 of 4 stars; one submission).

Conditions:
Inborn genetic diseases. Identifiers: MedGen C0950123, MeSH D030342.

gnomAD v4.1: 2 of 1,612,232 alleles (0.00012%); highest among the groups gnomAD compares: Middle Eastern, 0.033%; no homozygotes.

Submission:

Ambry Genetics
Classification: Uncertain significance for Inborn genetic diseases. Last evaluated: 2026-03-11. Review status: criteria provided, single submitter. Criteria: Ambry Variant Classification Scheme 2023. Collection method: clinical testing. Allele origin: germline.
Comment: The p.L671F variant (also known as c.2011C>T), located in coding exon 13 of the CDH2 gene, results from a C to T substitution at nucleotide position 2011. The leucine at codon 671 is replaced by phenylalanine, an amino acid with highly similar properties. This amino acid position is conserved. In addition, the in silico prediction for this alteration is inconclusive. Based on the available evidence, the clinical significance of this variant remains unclear.